The following is an entry in ClinVar:

ClinVar aggregate classification (germline): Pathogenic. Review status: criteria provided, single submitter (1 of 4 stars). 3 submissions from 3 submitters: Pathogenic (1). 2 of the submissions do not count toward it. Last evaluated 2023-04-12.

Conditions:
Developmental and epileptic encephalopathy, 1 (DEE1). Also called: X-linked infantile spasms; West's syndrome; Tonic spasms with clustering, arrest of psychomotor development and hypsarrhythmia on EEG; X-Linked Infantile Spasm Syndrome; OHTAHARA SYNDROME, X-LINKED; Epileptic encephalopathy, early infantile, 1. Identifiers: MedGen C3463992, MONDO:0010632, OMIM 308350. Disease mechanism: loss of function.
Autosomal dominant nonsyndromic hearing loss 65. Also called: Deafness, autosomal dominant 65; TBC1D24-Related Autosomal Dominant Nonsyndromic Hearing Loss (DFNA). Identifiers: Orphanet 90635, MedGen C3892048, MONDO:0014470, OMIM 616044.
Developmental and epileptic encephalopathy, 16 (DEE16). Also called: TBC1D24-Related Developmental and Epileptic Encephalopathy (DEE); Early infantile epileptic encephalopathy 16. Identifiers: Orphanet 293181, Orphanet 352596, MedGen C3809173, MONDO:0014133, OMIM 615338.

Allele frequency attached by ClinVar (database versions not stated): gnomAD 0.00001.

Submissions (3):

Labcorp Genetics (formerly Invitae), Labcorp
Classification: Pathogenic for Developmental and epileptic encephalopathy, 1; Autosomal dominant nonsyndromic hearing loss 65. Last evaluated: 2023-04-12. Review status: criteria provided, single submitter. Criteria: Invitae Variant Classification Sherloc (09022015). Collection method: clinical testing. Allele origin: germline.
Comment: For these reasons, this variant has been classified as Pathogenic. ClinVar contains an entry for this variant (Variation ID: 56847). This premature translational stop signal has been observed in individual(s) with autosomal recessive TBC1D24-related epilepsy (PMID: 23526554). It has also been observed to segregate with disease in related individuals. This variant is not present in population databases (gnomAD no frequency). This sequence change creates a premature translational stop signal (p.Cys156*) in the TBC1D24 gene. It is expected to result in an absent or disrupted protein product. Loss-of-function variants in TBC1D24 are known to be pathogenic (PMID: 23526554, 24291220).

Division of Medical Genetics; Sainte-Justine Hospital
Classification: Pathogenic for EIEE16. Last evaluated: 2014-12-22. Review status: no assertion criteria provided. Collection method: literature only. Allele origin: germline. Affected: yes. Not counted in ClinVar's aggregate classification.

OMIM
Classification: Pathogenic for DEVELOPMENTAL AND EPILEPTIC ENCEPHALOPATHY 16. Last evaluated: 2013-06-01. Review status: no assertion criteria provided. Collection method: literature only. Allele origin: germline. Not counted in ClinVar's aggregate classification.

Literature cited by the submitters: PubMed 23526554 (cited by Labcorp Genetics (formerly Invitae), Labcorp and OMIM); PubMed 24291220 (cited by Labcorp Genetics (formerly Invitae), Labcorp).

NM_001199107.2(TBC1D24):c.468C>A (p.Cys156Ter)

Gene: TBC1D24 (TBC1 domain family member 24; plus strand). Cytogenetic location: 16p13.3.
Variant type: single nucleotide variant.
Coding change: c.468C>A on transcript NM_001199107.2 (MANE Select); coding-DNA position 468, C replaced by A.
Protein change: p.Cys156Ter; replaces cysteine 156 with a stop codon.
Molecular consequence: nonsense.
Genome position (GRCh38, 1-based): chr16:2,496,616, C>A. VCF-style: chr16-2496616-C-A. GRCh37 (hg19) VCF-style: chr16-2546617-C-A.
Other names: c.468C>A, p.Cys156Ter (NM_020705.3); short protein forms C156*.
Identifiers: ClinVar variation 56847 (VCV000056847.5), dbSNP rs397514714, ClinGen allele CA344790.